The following is an entry in ClinVar:

NM_001385012.1(NBEA):c.5904-2A>G

Gene: NBEA (neurobeachin; plus strand). Cytogenetic location: 13q13.3.
Variant type: single nucleotide variant.
Coding change: c.5904-2A>G on transcript NM_001385012.1 (MANE Select); the canonical splice acceptor site of the intron before coding-DNA position 5904, A replaced by G.
Molecular consequence: splice acceptor variant.
Genome position (GRCh38, 1-based): chr13:35,349,106, A>G. VCF-style: chr13-35349106-A-G. GRCh37 (hg19) VCF-style: chr13-35923243-A-G.
Other names: NC_000013.10:g.35923243A>G; c.5904-2A>G (NM_015678.5); c.5895-2A>G (NM_001379245.1).
Identifiers: ClinVar variation 3359080 (VCV003359080.3).

ClinVar aggregate classification (germline): Pathogenic (1 of 4 stars; one submission).

Conditions:
Neurodevelopmental disorder with or without early-onset generalized epilepsy. Identifiers: MedGen C5436914, MONDO:0030930, OMIM 619157.

Submissions (2):

Institute of Human Genetics, University of Leipzig Medical Center
Classification: Pathogenic for Neurodevelopmental disorder with or without early-onset generalized epilepsy. Last evaluated: 2024-09-17. Review status: criteria provided, single submitter. Criteria: ACMG Guidelines, 2015. Collection method: clinical testing. Allele origin: unknown. Inheritance: Autosomal dominant inheritance. Affected: yes.
Comment: Criteria applied: PVS1,PM2

Dr. Peter K. Rogan Lab, Western University
No classification provided (evidence only). Condition: Glioma susceptibility 1. Review status: no classification provided. Collection method: in vitro. Allele origin: not applicable. Functional consequence: skipped exon. Not counted in ClinVar's aggregate classification.